The following is an entry in ClinVar:

NM_005989.4(AKR1D1):c.148C>T (p.Arg50Ter)

Gene: AKR1D1 (aldo-keto reductase family 1 member D1; plus strand). Cytogenetic location: 7q33.
Variant type: single nucleotide variant.
Coding change: c.148C>T on transcript NM_005989.4 (MANE Select); coding-DNA position 148, C replaced by T.
Protein change: p.Arg50Ter; replaces arginine 50 with a stop codon.
Molecular consequence: nonsense.
Genome position (GRCh38, 1-based): chr7:138,088,655, C>T. VCF-style: chr7-138088655-C-T. GRCh37 (hg19) VCF-style: chr7-137773401-C-T.
Other names: c.148C>T, p.Arg50Ter (NM_001190906.2, NM_001190907.2); short protein forms R50*.
Identifiers: ClinVar variation 1070635 (VCV001070635.10), dbSNP rs749224036, ClinGen allele CA4502587.

ClinVar aggregate classification (germline): Pathogenic/Likely pathogenic. Review status: criteria provided, multiple submitters, no conflicts (2 of 4 stars). 3 submissions from 3 submitters: Pathogenic (2); Likely pathogenic (1). Last evaluated 2024-05-01.

Conditions:
Congenital bile acid synthesis defect 2 (CBAS2). Also called: CHOLESTASIS WITH DELTA(4)-3-OXOSTEROID 5-BETA-REDUCTASE DEFICIENCY. Identifiers: Orphanet 79303, MedGen C1856127, MONDO:0009339, OMIM 235555.

Allele frequency attached by ClinVar (database versions not stated): gnomAD 0.00001 and 0.00002; ExAC 0.00002; gnomAD exomes 0.00002 and 0.00003; TOPMed 0.00002.
gnomAD v4.1: 40 of 1,613,904 alleles (0.0025%); highest among the groups gnomAD compares: Non-Finnish European, 0.0032%; no homozygotes.

Submissions (3):

Fulgent Genetics
Classification: Likely pathogenic for Congenital bile acid synthesis defect 2. Last evaluated: 2024-05-01. Review status: criteria provided, single submitter. Criteria: ACMG Guidelines, 2015. Collection method: clinical testing. Allele origin: germline.

Genomic Medicine Center of Excellence, King Faisal Specialist Hospital and Research Centre
Classification: Pathogenic for Congenital bile acid synthesis defect 2. Last evaluated: 2023-05-08. Review status: criteria provided, single submitter. Criteria: ACMG Guidelines, 2015. Collection method: research. Allele origin: germline. Affected: yes.

Labcorp Genetics (formerly Invitae), Labcorp
Classification: Pathogenic. Last evaluated: 2017-09-27. Review status: criteria provided, single submitter. Criteria: Invitae Variant Classification Sherloc (09022015). Collection method: clinical testing. Allele origin: germline.
Comment: For these reasons, this variant has been classified as Pathogenic. Loss-of-function variants in AKR1D1 are known to be pathogenic (PMID: 12970144, 19175828, 20522910, 21185810, 23679950). This variant has been reported in an individual affected with neonatal liver failure (PMID: 19175828). This gene is also known as SRD5B1 in the literature. This variant is present in population databases (rs749224036, ExAC 0.009%). This sequence change creates a premature translational stop signal (p.Arg50*) in the AKR1D1 gene. It is expected to result in an absent or disrupted protein product.

Literature cited by the submitters: PubMed 12970144 (cited by Labcorp Genetics (formerly Invitae), Labcorp); PubMed 19175828 (cited by Labcorp Genetics (formerly Invitae), Labcorp); PubMed 20522910 (cited by Labcorp Genetics (formerly Invitae), Labcorp); PubMed 21185810 (cited by Labcorp Genetics (formerly Invitae), Labcorp); PubMed 23679950 (cited by Labcorp Genetics (formerly Invitae), Labcorp).